The following is an entry in ClinVar:

ClinVar aggregate classification (germline): Uncertain significance. Review status: criteria provided, multiple submitters, no conflicts (2 of 4 stars). 3 submissions from 3 submitters: Uncertain significance (3). Last evaluated 2024-07-02.

Conditions:
Inborn genetic diseases. Identifiers: MedGen C0950123, MeSH D030342.
Infantile neuroaxonal dystrophy (NBIA2A). Also called: NEURODEGENERATION WITH BRAIN IRON ACCUMULATION 2A; SEITELBERGER DISEASE; Infantile neuroaxonal dystrophy 1. Identifiers: Orphanet 35069, MedGen C0270724, MONDO:0024457, OMIM 256600.

Allele frequency attached by ClinVar (database versions not stated): gnomAD exomes below 0.00001.
gnomAD v4.1: 2 of 1,614,224 alleles (0.00012%); highest among the groups gnomAD compares: Admixed American, 0.0033%; no homozygotes.

Submissions (3):

GeneDx
Classification: Uncertain significance. Last evaluated: 2024-07-02. Review status: criteria provided, single submitter. Criteria: GeneDx Variant Classification Process June 2021. Collection method: clinical testing. Allele origin: germline. Affected: yes.
Comment: Not observed at significant frequency in large population cohorts (gnomAD); In silico analysis supports that this missense variant has a deleterious effect on protein structure/function; Has not been previously published as pathogenic or benign to our knowledge

Ambry Genetics
Classification: Uncertain significance for Inborn genetic diseases. Last evaluated: 2024-05-13. Review status: criteria provided, single submitter. Criteria: Ambry Variant Classification Scheme 2023. Collection method: clinical testing. Allele origin: germline.

Labcorp Genetics (formerly Invitae), Labcorp
Classification: Uncertain significance for Infantile neuroaxonal dystrophy. Last evaluated: 2022-03-20. Review status: criteria provided, single submitter. Criteria: Invitae Variant Classification Sherloc (09022015). Collection method: clinical testing. Allele origin: germline.
Comment: This sequence change replaces lysine, which is basic and polar, with asparagine, which is neutral and polar, at codon 25 of the PLA2G6 protein (p.Lys25Asn). This variant is present in population databases (no rsID available, gnomAD 0.006%). This variant has not been reported in the literature in individuals affected with PLA2G6-related conditions. Advanced modeling of protein sequence and biophysical properties (such as structural, functional, and spatial information, amino acid conservation, physicochemical variation, residue mobility, and thermodynamic stability) performed at Invitae indicates that this missense variant is expected to disrupt PLA2G6 protein function. In summary, the available evidence is currently insufficient to determine the role of this variant in disease. Therefore, it has been classified as a Variant of Uncertain Significance.

NM_003560.4(PLA2G6):c.75G>T (p.Lys25Asn)

Gene: PLA2G6 (phospholipase A2 group VI; minus strand). Cytogenetic location: 22q13.1.
Variant type: single nucleotide variant.
Coding change: c.75G>T on transcript NM_003560.4 (MANE Select); coding-DNA position 75, G replaced by T.
Protein change: p.Lys25Asn; replaces lysine 25 with asparagine.
Molecular consequence: missense variant. On other transcripts: 5 prime UTR variant (3).
Genome position (GRCh38, 1-based): chr22:38,169,352, C>A on the plus strand (G>T on the coding strand, the complement: PLA2G6 is on the minus strand). VCF-style: chr22-38169352-C-A. GRCh37 (hg19) VCF-style: chr22-38565359-C-A.
Other names: c.75G>T (NM_003560.2); c.75G>T, p.Lys25Asn (NM_001004426.3, NM_001199562.3, NM_001349864.2 and 2 more transcripts); c.-591G>T (NM_001349867.2, NM_001349869.2); c.-416G>T (NM_001349868.2); short protein forms K25N.
Identifiers: ClinVar variation 2052267 (VCV002052267.3), dbSNP rs1328015728, ClinGen allele CA411521027.